The following is an entry in ClinVar:

NM_000059.4(BRCA2):c.4516T>C (p.Phe1506Leu)

Gene: BRCA2 (BRCA2 DNA repair associated; plus strand). Cytogenetic location: 13q13.1.
Variant type: single nucleotide variant.
Coding change: c.4516T>C on transcript NM_000059.4 (MANE Select); coding-DNA position 4516, T replaced by C.
Protein change: p.Phe1506Leu; replaces phenylalanine 1506 with leucine.
Molecular consequence: missense variant.
Genome position (GRCh38, 1-based): chr13:32,338,871, T>C. VCF-style: chr13-32338871-T-C. GRCh37 (hg19) VCF-style: chr13-32913008-T-C.
Other names: short protein forms F1506L.
Identifiers: ClinVar variation 231190 (VCV000231190.18), dbSNP rs876659011, ClinGen allele CA10579623.

ClinVar aggregate classification (germline): Conflicting classifications of pathogenicity. Review status: criteria provided, conflicting classifications (1 of 4 stars). 7 submissions from 7 submitters: Uncertain significance (4); Likely benign (3). Last evaluated 2025-09-30.

Conditions:
Familial cancer of breast. Also called: hereditary breast carcinoma; BREAST CANCER, FAMILIAL; Hereditary breast cancer. Identifiers: Orphanet 227535, MedGen C0346153, MONDO:0016419, OMIM 114480. Disease mechanism: loss of function.
Breast-ovarian cancer, familial, susceptibility to, 2 (BROVCA2). Also called: BRCA2 Hereditary Breast and Ovarian Cancer. Identifiers: Orphanet 145, MedGen C2675520, MONDO:0012933, OMIM 612555. Disease mechanism: loss of function.
Wilms tumor 1 (WT1). Also called: Wilms tumor, somatic. Identifiers: Orphanet 654, MedGen CN033288, MONDO:0008679, OMIM 194070.
Pancreatic cancer, susceptibility to, 2. Identifiers: Orphanet 1333, MedGen C3150546, MONDO:0013235, OMIM 613347.
Glioma susceptibility 3 (GLM3). Also called: Glioblastoma 3. Identifiers: Orphanet 182067, Orphanet 360, MedGen C2751641, MONDO:0013093, OMIM 613029.
Familial prostate cancer. Also called: Hereditary Prostate Cancer. Identifiers: MedGen C2931456, MONDO:0700275, OMIM 176807.
Fanconi anemia complementation group D1. Also called: BRCA2-Related Fanconi Anemia. Identifiers: Orphanet 319462, MedGen C1838457, MONDO:0011584, OMIM 605724.
Medulloblastoma (MDB). Also called: Medulloblastoma, somatic; MEDULLOBLASTOMA PREDISPOSITION SYNDROME. Identifiers: Orphanet 616, MedGen C0025149, MeSH D008527, MONDO:0007959, OMIM 155255, HP:0002885.
Hereditary cancer-predisposing syndrome. Also called: Neoplastic Syndromes, Hereditary; Tumor predisposition; Hereditary neoplastic syndrome; Hereditary Cancer Syndrome. Identifiers: Orphanet 140162, MedGen C0027672, MeSH D009386, MONDO:0015356.
Hereditary breast ovarian cancer syndrome. Also called: Hereditary breast and ovarian cancer syndrome; Hereditary breast and ovarian cancer syndrome (HBOC); Breast and ovarian cancer; BRCA1- and BRCA2-Associated Hereditary Breast and Ovarian Cancer; Hereditary breast and/or ovarian cancer syndrome; Hereditary breast and ovarian cancer. Identifiers: Orphanet 145, MedGen C0677776, MeSH D061325, MONDO:0003582. Disease mechanism: loss of function.

Allele frequency attached by ClinVar (database versions not stated): gnomAD exomes below 0.00001.
gnomAD v4.1: 3 of 1,613,958 alleles (0.00019%); highest among the groups gnomAD compares: Middle Eastern, 0.016%; no homozygotes.

Submissions (7):

Color Diagnostics, LLC DBA Color Health
Classification: Likely benign for Hereditary cancer-predisposing syndrome. Last evaluated: 2025-09-30. Review status: criteria provided, single submitter. Criteria: ACMG Guidelines, 2015. Collection method: clinical testing. Allele origin: germline.

Quest Diagnostics Nichols Institute San Juan Capistrano
Classification: Uncertain significance. Last evaluated: 2025-06-02. Review status: criteria provided, single submitter. Criteria: Quest Diagnostics criteria. Collection method: clinical testing. Allele origin: unknown.
Comment: The BRCA2 c.4516T>C (p.Phe1506Leu) variant has been reported in the published literature in an individual with breast cancer (PMID: 34178674 (2021)), and described to be located in a region of the BRCA2 gene that is tolerant to missense sequence changes (PMID: 31911673 (2020)). A functional study demonstrated that this variant had an inconclusive effect on protein function, being reported as functional in a saturation prime editing (SPE) assay in haploidized cell model (PMID: 35190686 (2022)). This variant has not been reported in large, multi-ethnic general populations (Genome Aggregation Database). Analysis of this variant using bioinformatics tools for the prediction of the effect of amino acid changes on protein structure and function yielded predictions that this variant is benign. Based on the available information, we are unable to determine the clinical significance of this variant.

Labcorp Genetics (formerly Invitae), Labcorp
Classification: Uncertain significance for Hereditary breast ovarian cancer syndrome. Last evaluated: 2025-03-26. Review status: criteria provided, single submitter. Criteria: Invitae Variant Classification Sherloc (09022015). Collection method: clinical testing. Allele origin: germline.
Comment: This sequence change replaces phenylalanine, which is neutral and non-polar, with leucine, which is neutral and non-polar, at codon 1506 of the BRCA2 protein (p.Phe1506Leu). This variant is not present in population databases (gnomAD no frequency). This missense change has been observed in individual(s) with breast cancer (PMID: 34178674). ClinVar contains an entry for this variant (Variation ID: 231190). Invitae Evidence Modeling of protein sequence and biophysical properties (such as structural, functional, and spatial information, amino acid conservation, physicochemical variation, residue mobility, and thermodynamic stability) indicates that this missense variant is not expected to disrupt BRCA2 protein function with a negative predictive value of 95%. In summary, the available evidence is currently insufficient to determine the role of this variant in disease. Therefore, it has been classified as a Variant of Uncertain Significance.

Fulgent Genetics
Classification: Uncertain significance for Familial cancer of breast; Medulloblastoma; Familial prostate cancer; Wilms tumor 1; Fanconi anemia complementation group D1; Breast-ovarian cancer, familial, susceptibility to, 2; Glioma susceptibility 3; Pancreatic cancer, susceptibility to, 2. Last evaluated: 2024-02-28. Review status: criteria provided, single submitter. Criteria: ACMG Guidelines, 2015. Collection method: clinical testing. Allele origin: germline.

All of Us Research Program, National Institutes of Health
Classification: Uncertain significance for Breast-ovarian cancer, familial, susceptibility to, 2. Last evaluated: 2023-08-08. Review status: criteria provided, single submitter. Criteria: ACMG Guidelines, 2015. Collection method: clinical testing. Allele origin: germline. Inheritance: Autosomal dominant inheritance. Observed: 1 variant allele, 1 heterozygote.
Comment: This missense variant replaces phenylalanine with leucine at codon 1506 of the BRCA2 protein. Computational prediction suggests that this variant may not impact protein structure and function (internally defined REVEL score threshold <= 0.5, PMID: 27666373). This variant has been reported to be functional in a haploidized cell proliferation assay (PMID: 35190686). This variant has been reported in an individual affected with breast cancer (PMID: 34178674). This variant has not been identified in the general population by the Genome Aggregation Database (gnomAD). The available evidence is insufficient to determine the role of this variant in disease conclusively. Therefore, this variant is classified as a Variant of Uncertain Significance.

This study involves interpretation of variants in research participants for the purpose of population health screening. Participant phenotype was not available at the time of variant classification. Additional details can be found in publication PMID: 35346344, PMCID: PMC8962531

University of Washington Department of Laboratory Medicine, University of Washington
Classification: Likely benign for Hereditary cancer-predisposing syndrome. Last evaluated: 2023-03-23. Review status: criteria provided, single submitter. Criteria: Dines et al. (Genet Med. 2020). Collection method: curation. Allele origin: germline.
Comment: Missense variant in a coldspot region where missense variants are very unlikely to be pathogenic (PMID:31911673).

BRCA2 exon 11 coldspot. Reclassification based on statistical prior probability.

Ambry Genetics
Classification: Likely benign for Hereditary cancer-predisposing syndrome. Last evaluated: 2019-02-06. Review status: criteria provided, single submitter. Criteria: Ambry Variant Classification Scheme 2023. Collection method: clinical testing. Allele origin: germline.

Literature cited by the submitters: PubMed 34178674 (cited by 3 submitters); PubMed 31911673 (cited by Quest Diagnostics Nichols Institute San Juan Capistrano); PubMed 35190686 (cited by Quest Diagnostics Nichols Institute San Juan Capistrano and All of Us Research Program, National Institutes of Health).